The following is an entry in ClinVar:

ClinVar aggregate classification (germline): Uncertain significance (1 of 4 stars; one submission).

Submission:

Dasa
Classification: Uncertain significance. Last evaluated: 2025-07-28. Review status: criteria provided, single submitter. Criteria: DASA Assertion Criteria. Collection method: clinical testing. Allele origin: germline.
Comment: NM_007118.4(TRIO):c.3991C>G (p.Pro1331Ala) is a missense variant that results in the substitution of proline with alanine. The affected residue or protein region has prior evidence supporting clinical relevance. This variant is absent from population databases. Computational prediction algorithms are consistent with a benign effect. The currently available literature and clinical evidence are not sufficient to establish a definitive association between this variant and the reported condition. Therefore, this variant is classified as a variant of uncertain significance.

NM_007118.4(TRIO):c.3991C>G (p.Pro1331Ala)

Gene: TRIO (trio Rho guanine nucleotide exchange factor; plus strand). Cytogenetic location: 5p15.2.
Variant type: single nucleotide variant.
Coding change: c.3991C>G on transcript NM_007118.4 (MANE Select); coding-DNA position 3991, C replaced by G.
Protein change: p.Pro1331Ala; replaces proline 1331 with alanine.
Molecular consequence: missense variant. On other transcripts: non-coding transcript variant (1).
Genome position (GRCh38, 1-based): chr5:14,389,331, C>G. VCF-style: chr5-14389331-C-G. GRCh37 (hg19) VCF-style: chr5-14389440-C-G.
Other names: short protein forms P1331A.
Identifiers: ClinVar variation 5020905 (VCV005020905.1).